The following is an entry in ClinVar:

NM_007254.4(PNKP):c.1298+2_1298+5dup

Gene: PNKP (polynucleotide kinase 3'-phosphatase; minus strand). Cytogenetic location: 19q13.33.
Variant type: Duplication.
Coding change: c.1298+2_1298+5dup on transcript NM_007254.4 (MANE Select); the canonical splice donor site of the intron after coding-DNA position 1298 through 5 bases into the intron after coding-DNA position 1298, 4 bases duplicated (TAGC; older notation c.1298+2_1298+5dupTAGC).
Molecular consequence: splice donor variant.
Genome position (GRCh38, 1-based): chr19:49,861,767-49,861,770, GCTA duplicated on the plus strand (TAGC on the coding strand, the reverse complement: PNKP is on the minus strand). VCF-style (leftmost placement, unchanged base first): chr19-49861766-C-CGCTA. GRCh37 (hg19) VCF-style: chr19-50365023-C-CGCTA.
Other names: c.1298+2_1298+5dupTAGC (NM_007254.3).
Identifiers: ClinVar variation 420345 (VCV000420345.11), dbSNP rs776617733, ClinGen allele CA9586478.

ClinVar aggregate classification (germline): Conflicting classifications of pathogenicity. Review status: criteria provided, conflicting classifications (1 of 4 stars). 3 submissions from 3 submitters: Uncertain significance (2); Likely benign (1). Last evaluated 2025-08-11.

Conditions:
Inborn genetic diseases. Identifiers: MedGen C0950123, MeSH D030342.
Developmental and epileptic encephalopathy, 12 (DEE12). Identifiers: MedGen C3150988, MONDO:0013389, OMIM 613722.

Allele frequency attached by ClinVar (database versions not stated): gnomAD exomes 0.00001 and 0.00003; ExAC 0.00004; gnomAD 0.00009 and 0.00013; TOPMed 0.00012.

Submissions (3):

Labcorp Genetics (formerly Invitae), Labcorp
Classification: Uncertain significance for Developmental and epileptic encephalopathy, 12. Last evaluated: 2025-08-11. Review status: criteria provided, single submitter. Criteria: Invitae Variant Classification Sherloc (09022015). Collection method: clinical testing. Allele origin: germline.
Comment: This sequence change falls in intron 14 of the PNKP gene. It does not directly change the encoded amino acid sequence of the PNKP protein. It affects a nucleotide within the consensus splice site. This variant is present in population databases (rs776617733, gnomAD 0.04%). This variant has not been reported in the literature in individuals affected with PNKP-related conditions. ClinVar contains an entry for this variant (Variation ID: 420345). Variants that disrupt the consensus splice site are a relatively common cause of aberrant splicing (PMID: 17576681, 9536098). Algorithms developed to predict the effect of sequence changes on RNA splicing suggest that this variant is not likely to affect RNA splicing. In summary, the available evidence is currently insufficient to determine the role of this variant in disease. Therefore, it has been classified as a Variant of Uncertain Significance.

Ambry Genetics
Classification: Uncertain significance for Inborn genetic diseases. Last evaluated: 2021-08-02. Review status: criteria provided, single submitter. Criteria: Ambry Variant Classification Scheme 2023. Collection method: clinical testing. Allele origin: germline.
Comment: The c.1298+2_1298+5dupTAGC alteration is located in Intron 14 (E) of the PNKP gene. This alteration consists of a duplication of 4 nucleotides at nucleotide position c.12982 within Intron 14 (E). Based on insufficient or conflicting evidence, the clinical significance of this alteration remains unclear.

GeneDx
Classification: Likely benign. Last evaluated: 2021-03-19. Review status: criteria provided, single submitter. Criteria: GeneDx Variant Classification Process June 2021. Collection method: clinical testing. Allele origin: germline. Affected: yes.

Literature cited by the submitters: PubMed 17576681 (cited by Labcorp Genetics (formerly Invitae), Labcorp); PubMed 9536098 (cited by Labcorp Genetics (formerly Invitae), Labcorp).